The following is an entry in ClinVar:

ClinVar aggregate classification (germline): Uncertain significance. Review status: criteria provided, multiple submitters, no conflicts (2 of 4 stars). 2 submissions from 2 submitters: Uncertain significance (2). Last evaluated 2024-05-31.

Conditions:
Hypersulfaturia (HYSULF). Identifiers: MedGen C5830511, MONDO:0957268, OMIM 620372.
Nephrolithiasis susceptibility caused by SLC26A1 (CAON1). Also called: NEPHROLITHIASIS, CALCIUM OXALATE, 1. Identifiers: MedGen C5779632, MONDO:0020722, OMIM 167030.

Allele frequency attached by ClinVar (database versions not stated): TOPMed 0.00002; gnomAD exomes 0.00004; ExAC 0.00016.
gnomAD v4.1: 54 of 1,565,656 alleles (0.0034%); highest among the groups gnomAD compares: Middle Eastern, 0.051%; no homozygotes.

Submissions (2):

Fulgent Genetics
Classification: Uncertain significance for Nephrolithiasis susceptibility caused by SLC26A1; Hypersulfaturia. Last evaluated: 2024-05-31. Review status: criteria provided, single submitter. Criteria: ACMG Guidelines, 2015. Collection method: clinical testing. Allele origin: germline.

Labcorp Genetics (formerly Invitae), Labcorp
Classification: Uncertain significance. Last evaluated: 2023-02-01. Review status: criteria provided, single submitter. Criteria: Invitae Variant Classification Sherloc (09022015). Collection method: clinical testing. Allele origin: germline.
Comment: The frequency data for this variant in the population databases is considered unreliable, as metrics indicate poor data quality at this position in the gnomAD database. This variant has not been reported in the literature in individuals affected with SLC26A1-related conditions. Advanced modeling of protein sequence and biophysical properties (such as structural, functional, and spatial information, amino acid conservation, physicochemical variation, residue mobility, and thermodynamic stability) has been performed at Invitae for this missense variant, however the output from this modeling did not meet the statistical confidence thresholds required to predict the impact of this variant on SLC26A1 protein function. In summary, the available evidence is currently insufficient to determine the role of this variant in disease. Therefore, it has been classified as a Variant of Uncertain Significance. This sequence change replaces alanine, which is neutral and non-polar, with threonine, which is neutral and polar, at codon 388 of the SLC26A1 protein (p.Ala388Thr).

NM_022042.4(SLC26A1):c.1162G>A (p.Ala388Thr)

Genes: IDUA (alpha-L-iduronidase; plus strand), SLC26A1 (solute carrier family 26 member 1; minus strand). Cytogenetic location: 4p16.3.
Variant type: single nucleotide variant.
Coding change: c.1162G>A on transcript NM_022042.4 (MANE Select); coding-DNA position 1162, G replaced by A.
Protein change: p.Ala388Thr; replaces alanine 388 with threonine.
Molecular consequence: missense variant. On other transcripts: intron variant (2).
Genome position (GRCh38, 1-based): chr4:989,777, C>T on the plus strand (G>A on the coding strand, the complement: SLC26A1 is on the minus strand). VCF-style: chr4-989777-C-T. GRCh37 (hg19) VCF-style: chr4-983565-C-T.
Other names: c.1162G>A, p.Ala388Thr (NM_213613.4); c.576+1351G>A (NM_134425.4); c.299+1828C>T (NM_000203.5); short protein forms A388T.
Identifiers: ClinVar variation 2885141 (VCV002885141.4), dbSNP rs763875856, ClinGen allele CA2801450.